The following is an entry in ClinVar:

ClinVar aggregate classification (germline): Uncertain significance (1 of 4 stars; one submission).

Conditions:
Aortic aneurysm, familial thoracic 4 (AAT4). Also called: AORTIC ANEURYSM/AORTIC DISSECTION AND PATENT DUCTUS ARTERIOSUS. Identifiers: MedGen C1851504, MONDO:0007568, OMIM 132900.

Submission:

Labcorp Genetics (formerly Invitae), Labcorp
Classification: Uncertain significance for Aortic aneurysm, familial thoracic 4. Last evaluated: 2021-01-07. Review status: criteria provided, single submitter. Criteria: Invitae Variant Classification Sherloc (09022015). Collection method: clinical testing. Allele origin: germline.
Comment: In summary, the available evidence is currently insufficient to determine the role of this variant in disease. Therefore, it has been classified as a Variant of Uncertain Significance. Algorithms developed to predict the effect of missense changes on protein structure and function are either unavailable or do not agree on the potential impact of this missense change (SIFT: "Deleterious"; PolyPhen-2: "Possibly Damaging"; Align-GVGD: "Class C15"). This variant has not been reported in the literature in individuals with MYH11-related conditions. This variant is not present in population databases (ExAC no frequency). This sequence change replaces serine with arginine at codon 648 of the MYH11 protein (p.Ser648Arg). The serine residue is highly conserved and there is a moderate physicochemical difference between serine and arginine.

NM_002474.3(MYH11):c.1923C>A (p.Ser641Arg)

Gene: MYH11 (myosin heavy chain 11; minus strand). Cytogenetic location: 16p13.11.
Variant type: single nucleotide variant.
Coding change: c.1923C>A on transcript NM_002474.3 (MANE Select); coding-DNA position 1923, C replaced by A.
Protein change: p.Ser641Arg; replaces serine 641 with arginine.
Molecular consequence: missense variant.
Genome position (GRCh38, 1-based): chr16:15,750,273, G>T on the plus strand (C>A on the coding strand, the complement: MYH11 is on the minus strand). VCF-style: chr16-15750273-G-T. GRCh37 (hg19) VCF-style: chr16-15844130-G-T.
Other names: c.1944C>A, p.Ser648Arg (NM_001040113.2, NM_001040114.2); c.1923C>A, p.Ser641Arg (NM_022844.3); short protein forms S641R, S648R.
Identifiers: ClinVar variation 1466820 (VCV001466820.8), dbSNP rs530466304, ClinGen allele CA394869116.